The following is an entry in ClinVar:

NM_002432.3(MNDA):c.674A>G (p.Tyr225Cys)

Gene: MNDA (myeloid cell nuclear differentiation antigen; plus strand). Cytogenetic location: 1q23.1.
Variant type: single nucleotide variant.
Coding change: c.674A>G on transcript NM_002432.3 (MANE Select); coding-DNA position 674, A replaced by G.
Protein change: p.Tyr225Cys; replaces tyrosine 225 with cysteine.
Molecular consequence: missense variant.
Genome position (GRCh38, 1-based): chr1:158,845,690, A>G. VCF-style: chr1-158845690-A-G. GRCh37 (hg19) VCF-style: chr1-158815480-A-G.
Other names: short protein forms Y225C.
Identifiers: ClinVar variation 1755216 (VCV001755216.2), dbSNP rs2526087448, ClinGen allele CA343041016.

ClinVar aggregate classification (germline): Uncertain significance (1 of 4 stars; one submission).

Allele frequency attached by ClinVar (database versions not stated): gnomAD exomes below 0.00001.
gnomAD v4.1: 4 of 1,614,182 alleles (0.00025%); highest among the groups gnomAD compares: Non-Finnish European, 0.00034%; no homozygotes.

Submission:

Ambry Genetics
Classification: Uncertain significance. Last evaluated: 2021-10-26. Review status: criteria provided, single submitter. Criteria: Ambry Variant Classification Scheme 2023. Collection method: clinical testing. Allele origin: germline.
Comment: The p.Y225C variant (also known as c.674A>G), located in coding exon 4 of the MNDA gene, results from an A to G substitution at nucleotide position 674. The tyrosine at codon 225 is replaced by cysteine, an amino acid with highly dissimilar properties. This amino acid position is conserved. In addition, this alteration is predicted to be tolerated by in silico analysis. Since supporting evidence is limited at this time, the clinical significance of this alteration remains unclear.